The following is an entry in ClinVar:

NM_007294.4(BRCA1):c.153T>C (p.Leu51=)

Gene: BRCA1 (BRCA1 DNA repair associated; minus strand). Cytogenetic location: 17q21.31.
Variant type: single nucleotide variant.
Coding change: c.153T>C on transcript NM_007294.4 (MANE Select); coding-DNA position 153, T replaced by C.
Protein change: p.Leu51=; no amino-acid change (leucine 51 retained).
Molecular consequence: synonymous variant. On other transcripts: 5 prime UTR variant (61), intron variant (34).
Genome position (GRCh38, 1-based): chr17:43,106,515, A>G on the plus strand (T>C on the coding strand, the complement: BRCA1 is on the minus strand). VCF-style: chr17-43106515-A-G. GRCh37 (hg19) VCF-style: chr17-41258532-A-G.
Other names: c.153T>C, p.Leu51= (NM_001407652.1, NM_001407664.1, NM_001407665.1 and 168 more transcripts); c.12T>C, p.Leu4= (NM_001407692.1, NM_001407694.1, NM_001407695.1 and 99 more transcripts); c.-36T>C (NM_001407853.1, NM_001407879.1, NM_001407881.1 and 58 more transcripts); c.-218-11655T>C (NM_001407967.1, NM_001407966.1); c.-169-1559T>C (NM_001407959.1, NM_001407962.1, NM_001408512.1 and 4 more transcripts); c.81-1559T>C (NM_001408451.1); c.135-1559T>C (NM_001408475.1, NM_001407875.1, NM_001407659.1 and 21 more transcripts).
Identifiers: ClinVar variation 865207 (VCV000865207.3), dbSNP rs1131692081, ClinGen allele CA500128207.

Conditions:
Breast-ovarian cancer, familial, susceptibility to, 1 (BROVCA1). Also called: BRCA1 Hereditary Breast and Ovarian Cancer; OVARIAN CANCER, SUSCEPTIBILITY TO. Identifiers: Orphanet 145, MedGen C2676676, MONDO:0011450, OMIM 604370. Disease mechanism: loss of function.

Submission:

Brotman Baty Institute, University of Washington
No classification provided (evidence only). Condition: Breast-ovarian cancer, familial 1. Review status: no classification provided. Collection method: in vitro. Allele origin: not applicable. Functional consequence: functionally_normal.
ClinVar note: "not provided" was previously submitted as the classification for the variant. However, the classification appeared to be based only on an observation of functional data so it was converted to no classification on 2025-07-30.